The following is an entry in ClinVar:

ClinVar aggregate classification (germline): Uncertain significance (1 of 4 stars; one submission).

Conditions:
Inborn genetic diseases. Identifiers: MedGen C0950123, MeSH D030342.

gnomAD v4.1: 26 of 1,614,018 alleles (0.0016%); highest among the groups gnomAD compares: South Asian, 0.027%; 1 homozygote.

Submission:

Ambry Genetics
Classification: Uncertain significance for Inborn genetic diseases. Last evaluated: 2024-08-02. Review status: criteria provided, single submitter. Criteria: Ambry Variant Classification Scheme 2023. Collection method: clinical testing. Allele origin: germline.
Comment: The p.T15A variant (also known as c.43A>G), located in coding exon 1 of the LRRK2 gene, results from an A to G substitution at nucleotide position 43. The threonine at codon 15 is replaced by alanine, an amino acid with similar properties. This amino acid position is conserved. In addition, this alteration is predicted to be tolerated by in silico analysis. Based on the available evidence, the clinical significance of this variant remains unclear.

NM_198578.4(LRRK2):c.43A>G (p.Thr15Ala)

Gene: LRRK2 (leucine rich repeat kinase 2; plus strand). Cytogenetic location: 12q12.
Variant type: single nucleotide variant.
Coding change: c.43A>G on transcript NM_198578.4 (MANE Select); coding-DNA position 43, A replaced by G.
Protein change: p.Thr15Ala; replaces threonine 15 with alanine.
Molecular consequence: missense variant.
Genome position (GRCh38, 1-based): chr12:40,225,174, A>G. VCF-style: chr12-40225174-A-G. GRCh37 (hg19) VCF-style: chr12-40618976-A-G.
Other names: short protein forms T15A.
Identifiers: ClinVar variation 3540479 (VCV003540479.1).